The following is an entry in ClinVar:

ClinVar aggregate classification (germline): Uncertain significance. Review status: criteria provided, multiple submitters, no conflicts (2 of 4 stars). 2 submissions from 2 submitters: Uncertain significance (2). Last evaluated 2025-11-03.

Conditions:
Candidiasis, familial, 9 (CANDF9). Identifiers: Orphanet 1334, MedGen C4225324, MONDO:0014642, OMIM 616445.

Allele frequency attached by ClinVar (database versions not stated): TOPMed 0.00001; gnomAD 0.00003; ExAC 0.00001; gnomAD exomes 0.00001.
gnomAD v4.1: 16 of 1,614,034 alleles (0.00099%); highest among the groups gnomAD compares: Non-Finnish European, 0.0014%; no homozygotes.

Submissions (2):

Labcorp Genetics (formerly Invitae), Labcorp
Classification: Uncertain significance for Candidiasis, familial, 9. Last evaluated: 2025-11-03. Review status: criteria provided, single submitter. Criteria: Invitae Variant Classification Sherloc (09022015). Collection method: clinical testing. Allele origin: germline.
Comment: This sequence change replaces aspartic acid, which is acidic and polar, with asparagine, which is neutral and polar, at codon 562 of the IL17RC protein (p.Asp562Asn). This variant is present in population databases (rs761934074, gnomAD 0.002%). This variant has not been reported in the literature in individuals affected with IL17RC-related conditions. ClinVar contains an entry for this variant (Variation ID: 648232). An algorithm developed to predict the effect of missense changes on protein structure and function outputs the following: PolyPhen-2: "Benign". The asparagine amino acid residue is found in multiple mammalian species, which suggests that this missense change does not adversely affect protein function. In summary, the available evidence is currently insufficient to determine the role of this variant in disease. Therefore, it has been classified as a Variant of Uncertain Significance.

Ambry Genetics
Classification: Uncertain significance. Last evaluated: 2023-12-22. Review status: criteria provided, single submitter. Criteria: Ambry Variant Classification Scheme 2023. Collection method: clinical testing. Allele origin: germline.

NM_153460.4(IL17RC):c.1471G>A (p.Asp491Asn)

Gene: IL17RC (interleukin 17 receptor C; plus strand). Cytogenetic location: 3p25.3.
Variant type: single nucleotide variant.
Coding change: c.1471G>A on transcript NM_153460.4 (MANE Select); coding-DNA position 1471, G replaced by A.
Protein change: p.Asp491Asn; replaces aspartic acid 491 with asparagine.
Molecular consequence: missense variant. On other transcripts: non-coding transcript variant (1).
Genome position (GRCh38, 1-based): chr3:9,932,691, G>A. VCF-style: chr3-9932691-G-A. GRCh37 (hg19) VCF-style: chr3-9974375-G-A.
Other names: c.1471G>A, p.Asp491Asn (NM_001203263.2); c.1420G>A, p.Asp474Asn (NM_001203264.2); c.1375G>A, p.Asp459Asn (NM_001203265.2); c.1432G>A, p.Asp478Asn (NM_001367278.1); c.1351G>A, p.Asp451Asn (NM_001367279.1); c.1426G>A, p.Asp476Asn (NM_001367280.1, NM_032732.6); c.1684G>A, p.Asp562Asn (NM_153461.4); short protein forms D459N, D474N, D476N, D562N, D478N, D491N, D451N.
Identifiers: ClinVar variation 648232 (VCV000648232.8), dbSNP rs761934074, ClinGen allele CA2247290.